The following is an entry in ClinVar:

NM_001378454.1(ALMS1):c.1270A>G (p.Ile424Val)

Gene: ALMS1 (ALMS1 centrosome and basal body associated protein; plus strand). Cytogenetic location: 2p13.1.
Variant type: single nucleotide variant.
Coding change: c.1270A>G on transcript NM_001378454.1 (MANE Select); coding-DNA position 1270, A replaced by G.
Protein change: p.Ile424Val; replaces isoleucine 424 with valine.
Molecular consequence: missense variant.
Genome position (GRCh38, 1-based): chr2:73,426,485, A>G. VCF-style: chr2-73426485-A-G. GRCh37 (hg19) VCF-style: chr2-73653613-A-G.
Other names: c.1273A>G, p.Ile425Val (NM_015120.4); short protein forms I424V, I425V.
Identifiers: ClinVar variation 1010339 (VCV001010339.9), dbSNP rs775981299, ClinGen allele CA1713101.

ClinVar aggregate classification (germline): Uncertain significance. Review status: criteria provided, multiple submitters, no conflicts (2 of 4 stars). 3 submissions from 3 submitters: Uncertain significance (2). 1 of the submissions does not count toward it. Last evaluated 2024-04-22.

Conditions:
Alstrom syndrome (ALMS). Identifiers: Orphanet 64, MedGen C0268425, MONDO:0008763, OMIM 203800.

Allele frequency attached by ClinVar (database versions not stated): gnomAD exomes below 0.00001 and 0.00001; TOPMed 0.00001; ExAC 0.00002.
gnomAD v4.1: 7 of 1,614,156 alleles (0.00043%); highest among the groups gnomAD compares: Admixed American, 0.0017%; no homozygotes.

Submissions (3):

Labcorp Genetics (formerly Invitae), Labcorp
Classification: Uncertain significance for Alstrom syndrome. Last evaluated: 2024-04-22. Review status: criteria provided, single submitter. Criteria: Invitae Variant Classification Sherloc (09022015). Collection method: clinical testing. Allele origin: germline.
Comment: This sequence change replaces isoleucine, which is neutral and non-polar, with valine, which is neutral and non-polar, at codon 425 of the ALMS1 protein (p.Ile425Val). This variant is present in population databases (rs775981299, gnomAD 0.0009%). This variant has not been reported in the literature in individuals affected with ALMS1-related conditions. ClinVar contains an entry for this variant (Variation ID: 1010339). Experimental studies and prediction algorithms are not available or were not evaluated, and the functional significance of this variant is currently unknown. In summary, the available evidence is currently insufficient to determine the role of this variant in disease. Therefore, it has been classified as a Variant of Uncertain Significance.

Fulgent Genetics
Classification: Uncertain significance for Alstrom syndrome. Last evaluated: 2022-05-04. Review status: criteria provided, single submitter. Criteria: ACMG Guidelines, 2015. Collection method: clinical testing. Allele origin: unknown.

Natera, Inc.
Classification: Uncertain significance for Alstrom syndrome. Last evaluated: 2021-02-16. Review status: no assertion criteria provided. Collection method: clinical testing. Allele origin: germline. Not counted in ClinVar's aggregate classification.